The following is an entry in ClinVar:

ClinVar aggregate classification (germline): Uncertain significance (1 of 4 stars; one submission).

Submission:

Labcorp Genetics (formerly Invitae), Labcorp
Classification: Uncertain significance. Last evaluated: 2023-04-10. Review status: criteria provided, single submitter. Criteria: Invitae Variant Classification Sherloc (09022015). Collection method: clinical testing. Allele origin: germline.
Comment: In summary, the available evidence is currently insufficient to determine the role of this variant in disease. Therefore, it has been classified as a Variant of Uncertain Significance. Advanced modeling of protein sequence and biophysical properties (such as structural, functional, and spatial information, amino acid conservation, physicochemical variation, residue mobility, and thermodynamic stability) performed at Invitae indicates that this missense variant is not expected to disrupt LRP5 protein function. This variant has not been reported in the literature in individuals affected with LRP5-related conditions. This variant is not present in population databases (gnomAD no frequency). This sequence change replaces isoleucine, which is neutral and non-polar, with threonine, which is neutral and polar, at codon 188 of the LRP5 protein (p.Ile188Thr).

NM_002335.4(LRP5):c.563T>C (p.Ile188Thr)

Gene: LRP5 (LDL receptor related protein 5; plus strand). Cytogenetic location: 11q13.2.
Variant type: single nucleotide variant.
Coding change: c.563T>C on transcript NM_002335.4 (MANE Select); coding-DNA position 563, T replaced by C.
Protein change: p.Ile188Thr; replaces isoleucine 188 with threonine.
Molecular consequence: missense variant. On other transcripts: 5 prime UTR variant (1).
Genome position (GRCh38, 1-based): chr11:68,357,724, T>C. VCF-style: chr11-68357724-T-C. GRCh37 (hg19) VCF-style: chr11-68125192-T-C.
Other names: c.-1203T>C (NM_001291902.2); short protein forms I188T.
Identifiers: ClinVar variation 2805206 (VCV002805206.3), dbSNP rs780636010, ClinGen allele CA381611783.
Genomic context (GRCh38, chr11:68,357,724, plus strand): 5'-CAGACTGGGGTGAGACGCCCCGGATTGAGCGGGCAGGGATGGATGGCAGCACCCGGAAGA[T>C]CATTGTGGACTCGGACATTTACTGGCCCAATGGACTGACCATCGACCTGGAGGAGCAGAA-3'
Protein context (NP_002326.2, residues 178-198): RAGMDGSTRK[Ile188Thr]IVDSDIYWPN